The following is an entry in ClinVar:

ClinVar aggregate classification (germline): Likely pathogenic (1 of 4 stars; one submission).

Conditions:
Juvenile polyposis syndrome (JPS). Identifiers: Orphanet 2929, MedGen C0345893, MONDO:0017380, OMIM 174900.

Submission:

Dasa
Classification: Likely pathogenic for Juvenile polyposis syndrome. Last evaluated: 2025-09-05. Review status: criteria provided, single submitter. Criteria: DASA Assertion Criteria. Collection method: clinical testing. Allele origin: germline.
Comment: NM_004329.3(BMPR1A):c.1342+2_1342+4del is a splice-region variant predicted to affect normal RNA splicing. This variant is absent from population databases. Based on the currently available evidence, this variant is classified as likely pathogenic.

NM_004329.3(BMPR1A):c.1342+2_1342+4del

Gene: BMPR1A (bone morphogenetic protein receptor type 1A; plus strand). Cytogenetic location: 10q23.2.
Variant type: Deletion.
Coding change: c.1342+2_1342+4del on transcript NM_004329.3 (MANE Select); the canonical splice donor site of the intron after coding-DNA position 1342 through 4 bases into the intron after coding-DNA position 1342, 3 bases deleted (TGG; older notation c.1342+2_1342+4delTGG).
Molecular consequence: splice donor variant.
Genome position (GRCh38, 1-based): chr10:86,921,697-86,921,699, TGG deleted; deleting any 3 consecutive bases within chr10:86,921,695-86,921,699 gives the same sequence; the c. name uses the placement nearest the transcript's 3' end. VCF-style (leftmost placement, unchanged base first): chr10-86921694-AGGT-A. GRCh37 (hg19) VCF-style: chr10-88681451-AGGT-A.
Other names: c.1342+2_1342+4del (NM_001406562.1, NM_001406568.1, NM_001406567.1 and 19 more transcripts); c.1258+2_1258+4del (NM_001406584.1, NM_001406588.1, NM_001406587.1 and 2 more transcripts); c.1390+2_1390+4del (NM_001406560.1); c.1417+2_1417+4del (NM_001406559.1); c.1336+2_1336+4del (NM_001406583.1); c.1000+2_1000+4del (NM_001406589.1).
Identifiers: ClinVar variation 4880728 (VCV004880728.2).